The following is an entry in ClinVar:

ClinVar aggregate classification (germline): Uncertain significance (1 of 4 stars; one submission).

gnomAD v4.1: 21 of 1,562,342 alleles (0.0013%); highest among the groups gnomAD compares: South Asian, 0.0035%; no homozygotes.

Submission:

Labcorp Genetics (formerly Invitae), Labcorp
Classification: Uncertain significance. Last evaluated: 2025-07-02. Review status: criteria provided, single submitter. Criteria: Invitae Variant Classification Sherloc (09022015). Collection method: clinical testing. Allele origin: germline.
Comment: This sequence change replaces aspartic acid, which is acidic and polar, with asparagine, which is neutral and polar, at codon 949 of the DSCAML1 protein (p.Asp949Asn). This variant is present in population databases (rs765947737, gnomAD 0.004%). This variant has not been reported in the literature in individuals affected with DSCAML1-related conditions. An algorithm developed to predict the effect of missense changes on protein structure and function (PolyPhen-2) suggests that this variant is likely to be disruptive. In summary, the available evidence is currently insufficient to determine the role of this variant in disease. Therefore, it has been classified as a Variant of Uncertain Significance.

NM_020693.4(DSCAML1):c.2665G>A (p.Asp889Asn)

Gene: DSCAML1 (DS cell adhesion molecule like 1; minus strand). Cytogenetic location: 11q23.3.
Variant type: single nucleotide variant.
Coding change: c.2665G>A on transcript NM_020693.4 (MANE Select); coding-DNA position 2665, G replaced by A.
Protein change: p.Asp889Asn; replaces aspartic acid 889 with asparagine.
Molecular consequence: missense variant.
Genome position (GRCh38, 1-based): chr11:117,480,563, C>T on the plus strand (G>A on the coding strand, the complement: DSCAML1 is on the minus strand). VCF-style: chr11-117480563-C-T. GRCh37 (hg19) VCF-style: chr11-117351278-C-T.
Other names: c.2665G>A, p.Asp889Asn (NM_001367904.1); short protein forms D889N.
Identifiers: ClinVar variation 4750327 (VCV004750327.1).